The following is an entry in ClinVar:

NM_001122681.2(SH3BP2):c.*6705C>T

Gene: SH3BP2 (SH3 domain binding protein 2; plus strand). Cytogenetic location: 4p16.3.
Variant type: single nucleotide variant.
Coding change: c.*6705C>T on transcript NM_001122681.2 (MANE Select); 6705 bases downstream of the stop codon, C replaced by T.
Molecular consequence: 3 prime UTR variant.
Genome position (GRCh38, 1-based): chr4:2,840,539, C>T. VCF-style: chr4-2840539-C-T. GRCh37 (hg19) VCF-style: chr4-2842266-C-T.
Other names: c.*6705C>T (LRG_1334t2, LRG_1334t1, NM_003023.4 and 2 more transcripts).
Identifiers: ClinVar variation 348713 (VCV000348713.5), dbSNP rs193099027, ClinGen allele CA10621013.
Genomic context (GRCh38, chr4:2,840,539, plus strand): 5'-AATGCCACCTCTGTCATATGTCCACATATGACATATGTAGATCTGTTGTTGGATTCTTTC[C>T]TCTGTTCCATTAGTCTGTCTGTTCTTGTGCCAATATCAAGCTGTCTTCATTATTATCAAT-3'

ClinVar aggregate classification (germline): Benign (1 of 4 stars; one submission).

Conditions:
Fibrous dysplasia of jaw (CRBM). Also called: Cherubism. Identifiers: Orphanet 184, MedGen C0008029, MONDO:0007315, OMIM 118400.

Allele frequency attached by ClinVar (database versions not stated): 1000 Genomes Project 0.00040; 1000 Genomes Project 30x 0.00062; gnomAD 0.00077; TOPMed 0.00131.

Submission:

Illumina Laboratory Services, Illumina
Classification: Benign for Fibrous dysplasia of jaw. Last evaluated: 2018-01-13. Review status: criteria provided, single submitter. Criteria: ICSL Variant Classification Criteria 13 December 2019. Collection method: clinical testing. Allele origin: germline.
Comment: This variant was observed in the ICSL laboratory as part of a predisposition screen in an ostensibly healthy population. It had not been previously curated by ICSL or reported in the Human Gene Mutation Database (HGMD: prior to June 1st, 2018), and was therefore a candidate for classification through an automated scoring system. Utilizing variant allele frequency, disease prevalence and penetrance estimates, and inheritance mode, an automated score was calculated to assess if this variant is too frequent to cause the disease. Based on the score and internal cut-off values, a variant classified as benign is not then subjected to further curation. The score for this variant resulted in a classification of benign for this disease.